The following is an entry in ClinVar:

NM_000135.4(FANCA):c.2915del (p.Gly972fs)

Gene: FANCA (FA complementation group A; minus strand). Cytogenetic location: 16q24.3.
Variant type: Deletion.
Coding change: c.2915del on transcript NM_000135.4 (MANE Select); coding-DNA position 2915, one base deleted (G; older notation c.2915delG).
Protein change: p.Gly972fs; shifts the reading frame from glycine 972.
Molecular consequence: frameshift variant.
Genome position (GRCh38, 1-based): chr16:89,758,643, C deleted on the plus strand (G on the coding strand, the reverse complement: FANCA is on the minus strand); the first of 5 consecutive C bases (chr16:89,758,643-89,758,647); deleting any one gives the same sequence. VCF-style (leftmost placement, unchanged base first): chr16-89758642-GC-G. GRCh37 (hg19) VCF-style: chr16-89825050-GC-G.
Other names: c.2915del, p.Gly972fs (NM_001286167.3); short protein forms G972fs.
Identifiers: ClinVar variation 2584793 (VCV002584793.1), dbSNP rs2544156776, ClinGen allele CA497182159.

ClinVar aggregate classification (germline): Likely pathogenic (1 of 4 stars; one submission).

Conditions:
Fanconi anemia complementation group A (FANCA). Also called: FANCA-Related Fanconi Anemia; Fanconi anemia, group A. Identifiers: Orphanet 84, MedGen C3469521, MONDO:0009215, OMIM 227650.

Submission:

Neuberg Centre For Genomic Medicine, NCGM
Classification: Likely pathogenic for Fanconi anemia complementation group A. Review status: criteria provided, single submitter. Criteria: ACMG Guidelines, 2015. Collection method: clinical testing. Allele origin: germline. Inheritance: Autosomal recessive inheritance. Affected: yes.
Comment: The frame shift variant in c.2915del in FANCA gene has not been reported previously as a pathogenic variant nor as a benign variant, to our knowledge. The p.Gly972AlafsTer17 variant is novel (not in any individuals) in gnomAD Exomes and 1000 Genomes. This variant has not been reported to the ClinVar database. This variant causes a frameshift starting with codon Glycine 972, changes this amino acid to Alanine residue, and creates a premature Stop codon at position 17 of the new reading frame, denoted p.Gly972AlafsTer17. This variant is predicted to cause loss of normal protein function through protein truncation. Loss of function variants have been previously reported to be disease causing. For these reasons, this variant has been classified as Likely Pathogenic.